The following is an entry in ClinVar:

NM_004385.5(VCAN):c.5797G>A (p.Asp1933Asn)

Genes: VCAN (versican; plus strand), VCAN-AS1 (VCAN antisense RNA 1; minus strand). Cytogenetic location: 5q14.3.
Variant type: single nucleotide variant.
Coding change: c.5797G>A on transcript NM_004385.5 (MANE Select); coding-DNA position 5797, G replaced by A.
Protein change: p.Asp1933Asn; replaces aspartic acid 1933 with asparagine.
Molecular consequence: missense variant. On other transcripts: intron variant (2).
Genome position (GRCh38, 1-based): chr5:83,538,800, G>A. VCF-style: chr5-83538800-G-A. GRCh37 (hg19) VCF-style: chr5-82834619-G-A.
Other names: c.2836G>A, p.Asp946Asn (NM_001164097.2); c.4004-6737G>A (NM_001164098.2); c.1043-6737G>A (NM_001126336.3); short protein forms D1933N, D946N.
Identifiers: ClinVar variation 1035307 (VCV001035307.8), dbSNP rs1746836392, ClinGen allele CA360311173.

ClinVar aggregate classification (germline): Uncertain significance (1 of 4 stars; one submission).

Submission:

Labcorp Genetics (formerly Invitae), Labcorp
Classification: Uncertain significance. Last evaluated: 2022-09-01. Review status: criteria provided, single submitter. Criteria: Invitae Variant Classification Sherloc (09022015). Collection method: clinical testing. Allele origin: germline.
Comment: In summary, the available evidence is currently insufficient to determine the role of this variant in disease. Therefore, it has been classified as a Variant of Uncertain Significance. Algorithms developed to predict the effect of missense changes on protein structure and function are either unavailable or do not agree on the potential impact of this missense change (SIFT: "Deleterious"; PolyPhen-2: "Probably Damaging"; Align-GVGD: "Class C0"). ClinVar contains an entry for this variant (Variation ID: 1035307). This variant has not been reported in the literature in individuals affected with VCAN-related conditions. This variant is not present in population databases (gnomAD no frequency). This sequence change replaces aspartic acid, which is acidic and polar, with asparagine, which is neutral and polar, at codon 1933 of the VCAN protein (p.Asp1933Asn).